The following is an entry in ClinVar:

NM_001042492.3(NF1):c.6569G>A (p.Gly2190Asp)

Gene: NF1 (neurofibromin 1; plus strand). Cytogenetic location: 17q11.2.
Variant type: single nucleotide variant.
Coding change: c.6569G>A on transcript NM_001042492.3 (MANE Select); coding-DNA position 6569, G replaced by A.
Protein change: p.Gly2190Asp; replaces glycine 2190 with aspartic acid.
Molecular consequence: missense variant.
Genome position (GRCh38, 1-based): chr17:31,337,509, G>A. VCF-style: chr17-31337509-G-A. GRCh37 (hg19) VCF-style: chr17-29664527-G-A.
Other names: c.6506G>A, p.Gly2169Asp (NM_000267.4); short protein forms G2169D, G2190D.
Identifiers: ClinVar variation 5025627 (VCV005025627.1).

ClinVar aggregate classification (germline): Uncertain significance (1 of 4 stars; one submission).

Conditions:
Cardiovascular phenotype. Identifiers: MedGen CN230736.
Hereditary cancer-predisposing syndrome. Also called: Neoplastic Syndromes, Hereditary; Tumor predisposition; Hereditary neoplastic syndrome; Hereditary Cancer Syndrome. Identifiers: Orphanet 140162, MedGen C0027672, MeSH D009386, MONDO:0015356.

Submission:

Ambry Genetics
Classification: Uncertain significance for Cardiovascular phenotype; Hereditary cancer-predisposing syndrome. Last evaluated: 2026-08-18. Review status: criteria provided, single submitter. Criteria: Ambry Variant Classification Scheme 2023. Collection method: clinical testing. Allele origin: germline.
Comment: The p.G2169D variant (also known as c.6506G>A), located in coding exon 42 of the NF1 gene, results from a G to A substitution at nucleotide position 6506. The glycine at codon 2169 is replaced by aspartic acid, an amino acid with similar properties. This amino acid position is conserved. In addition, the in silico prediction for this alteration is inconclusive. Based on the available evidence, the clinical significance of this variant remains unclear.